The following is an entry in ClinVar:

ClinVar aggregate classification (germline): Uncertain significance (1 of 4 stars; one submission).

Conditions:
Singleton-Merten syndrome 1 (SGMRT1). Also called: Widened medullary cavities of bone, aortic calcification, abnormal dentition, and muscular weakness; Syndrome of widened medullary cavities of the metacarpals and phalanges, aortic calcification and abnormal dentition. Identifiers: Orphanet 85191, MedGen C4225427, MONDO:0024535, OMIM 182250.
Aicardi-Goutieres syndrome 7 (AGS7). Identifiers: Orphanet 51, MedGen C3888244, MONDO:0014367, OMIM 615846.

Submission:

Labcorp Genetics (formerly Invitae), Labcorp
Classification: Uncertain significance for Aicardi-Goutieres syndrome 7; Singleton-Merten syndrome 1. Last evaluated: 2024-05-05. Review status: criteria provided, single submitter. Criteria: Invitae Variant Classification Sherloc (09022015). Collection method: clinical testing. Allele origin: germline.
Comment: This sequence change replaces lysine, which is basic and polar, with glutamic acid, which is acidic and polar, at codon 323 of the IFIH1 protein (p.Lys323Glu). This variant is not present in population databases (gnomAD no frequency). This variant has not been reported in the literature in individuals affected with IFIH1-related conditions. Advanced modeling of protein sequence and biophysical properties (such as structural, functional, and spatial information, amino acid conservation, physicochemical variation, residue mobility, and thermodynamic stability) has been performed at Invitae for this missense variant, however the output from this modeling did not meet the statistical confidence thresholds required to predict the impact of this variant on IFIH1 protein function. In summary, the available evidence is currently insufficient to determine the role of this variant in disease. Therefore, it has been classified as a Variant of Uncertain Significance.

NM_022168.4(IFIH1):c.967A>G (p.Lys323Glu)

Gene: IFIH1 (interferon induced with helicase C domain 1; minus strand). Cytogenetic location: 2q24.2.
Variant type: single nucleotide variant.
Coding change: c.967A>G on transcript NM_022168.4 (MANE Select); coding-DNA position 967, A replaced by G.
Protein change: p.Lys323Glu; replaces lysine 323 with glutamic acid.
Molecular consequence: missense variant.
Genome position (GRCh38, 1-based): chr2:162,288,263, T>C on the plus strand (A>G on the coding strand, the complement: IFIH1 is on the minus strand). VCF-style: chr2-162288263-T-C. GRCh37 (hg19) VCF-style: chr2-163144773-T-C.
Other names: short protein forms K323E.
Identifiers: ClinVar variation 3753638 (VCV003753638.2).